The following is an entry in ClinVar:

NM_001261826.3(AP3D1):c.3640A>G (p.Lys1214Glu)

Gene: AP3D1 (adaptor related protein complex 3 subunit delta 1; minus strand). Cytogenetic location: 19p13.3.
Variant type: single nucleotide variant.
Coding change: c.3640A>G on transcript NM_001261826.3 (MANE Select); coding-DNA position 3640, A replaced by G.
Protein change: p.Lys1214Glu; replaces lysine 1214 with glutamic acid.
Molecular consequence: missense variant.
Genome position (GRCh38, 1-based): chr19:2,102,181, T>C on the plus strand (A>G on the coding strand, the complement: AP3D1 is on the minus strand). VCF-style: chr19-2102181-T-C. GRCh37 (hg19) VCF-style: chr19-2102180-T-C.
Other names: p.Lys1214Glu; c.3454A>G (NM_003938.5); c.3604A>G, p.Lys1202Glu (NM_001374799.1); c.3454A>G, p.Lys1152Glu (NM_003938.8); short protein forms K1202E, K1214E, K1152E.
Identifiers: ClinVar variation 1448525 (VCV001448525.11), dbSNP rs749726730, ClinGen allele CA9058295.

ClinVar aggregate classification (germline): Uncertain significance. Review status: criteria provided, multiple submitters, no conflicts (2 of 4 stars). 4 submissions from 4 submitters: Uncertain significance (4). Last evaluated 2024-09-13.

Conditions:
Inborn genetic diseases. Identifiers: MedGen C0950123, MeSH D030342.

Allele frequency attached by ClinVar (database versions not stated): ExAC 0.00003; gnomAD 0.00003; gnomAD exomes 0.00003; TOPMed 0.00003.
gnomAD v4.1: 44 of 1,613,712 alleles (0.0027%); highest among the groups gnomAD compares: Middle Eastern, 0.017%; no homozygotes.

Submissions (4):

Blueprint Genetics
Classification: Uncertain significance. Last evaluated: 2024-09-13. Review status: criteria provided, single submitter. Criteria: ACMG Guidelines, 2015. Collection method: clinical testing. Allele origin: germline.

Mayo Clinic Laboratories, Mayo Clinic
Classification: Uncertain significance. Last evaluated: 2024-07-23. Review status: criteria provided, single submitter. Criteria: ACMG Guidelines, 2015. Collection method: clinical testing. Allele origin: germline. Observed: 2 variant alleles.
Comment: BP4

Labcorp Genetics (formerly Invitae), Labcorp
Classification: Uncertain significance. Last evaluated: 2023-12-30. Review status: criteria provided, single submitter. Criteria: Invitae Variant Classification Sherloc (09022015). Collection method: clinical testing. Allele origin: germline.
Comment: This sequence change replaces lysine, which is basic and polar, with glutamic acid, which is acidic and polar, at codon 1214 of the AP3D1 protein (p.Lys1214Glu). This variant is present in population databases (rs749726730, gnomAD 0.006%). This variant has not been reported in the literature in individuals affected with AP3D1-related conditions. ClinVar contains an entry for this variant (Variation ID: 1448525). An algorithm developed to predict the effect of missense changes on protein structure and function (PolyPhen-2) suggests that this variant is likely to be tolerated. In summary, the available evidence is currently insufficient to determine the role of this variant in disease. Therefore, it has been classified as a Variant of Uncertain Significance.

Ambry Genetics
Classification: Uncertain significance for Inborn genetic diseases. Last evaluated: 2023-03-17. Review status: criteria provided, single submitter. Criteria: Ambry Variant Classification Scheme 2023. Collection method: clinical testing. Allele origin: germline.